The following is an entry in ClinVar:

NM_212482.4(FN1):c.6350C>G (p.Pro2117Arg)

Gene: FN1 (fibronectin 1; minus strand). Cytogenetic location: 2q35.
Variant type: single nucleotide variant.
Coding change: c.6350C>G on transcript NM_212482.4 (MANE Select); coding-DNA position 6350, C replaced by G.
Protein change: p.Pro2117Arg; replaces proline 2117 with arginine.
Molecular consequence: missense variant. On other transcripts: intron variant (3).
Genome position (GRCh38, 1-based): chr2:215,372,273, G>C on the plus strand (C>G on the coding strand, the complement: FN1 is on the minus strand). VCF-style: chr2-215372273-G-C. GRCh37 (hg19) VCF-style: chr2-216236996-G-C.
Other names: c.6350C>G, p.Pro2117Arg (NM_001306129.2); c.5807C>G, p.Pro1936Arg (NM_001306131.2, NM_212476.3); c.5732C>G, p.Pro1911Arg (NM_001306132.2, NM_001365523.2); c.6080C>G, p.Pro2027Arg (NM_001365517.2, NM_001365521.2); c.6077C>G, p.Pro2026Arg (NM_001365518.2, NM_002026.4); c.6005C>G, p.Pro2002Arg (NM_001365519.2, NM_001365522.2); c.6002C>G, p.Pro2001Arg (NM_001365520.2, NM_212478.3); c.5705-258C>G (NM_212474.3); and 2 more; short protein forms P1936R, P2027R, P1911R, P2001R, P2002R, P2026R, P2117R.
Identifiers: ClinVar variation 5009186 (VCV005009186.1).
Genomic context (GRCh38, chr2:215,372,273, plus strand): 5'-ACACTGGGTTGCTGACCAGAAGTGCCAGGAAGCTGAATACCATTTCCAGTGTCATACCCA[G>C]GGTGGGTGACGAAAGGGGTCTTTTGAACTGTGGAAGGAACATCCAAGATCTCTGGTCCAT-3'
Protein context (NP_997647.2, residues 2107-2127): TVQKTPFVTH[Pro2117Arg]GYDTGNGIQL

ClinVar aggregate classification (germline): Uncertain significance (1 of 4 stars; one submission).

gnomAD v4.1: 8 of 1,614,134 alleles (0.0005%); highest among the groups gnomAD compares: South Asian, 0.0033%; no homozygotes.

Submission:

GeneDx
Classification: Uncertain significance. Last evaluated: 2026-03-13. Review status: criteria provided, single submitter. Criteria: GeneDx Variant Classification Process June 2021. Collection method: clinical testing. Allele origin: germline.
Comment: Not observed at significant frequency in large population cohorts (gnomAD); In silico analysis supports that this missense variant has a deleterious effect on protein structure/function; Has not been previously published as pathogenic or benign to our knowledge